The following is an entry in ClinVar:

NM_213618.2(DENND2B):c.2833A>G (p.Thr945Ala)

Gene: DENND2B (DENN domain containing 2B; minus strand). Cytogenetic location: 11p15.4.
Variant type: single nucleotide variant.
Coding change: c.2833A>G on transcript NM_213618.2 (MANE Select); coding-DNA position 2833, A replaced by G.
Protein change: p.Thr945Ala; replaces threonine 945 with alanine.
Molecular consequence: missense variant. On other transcripts: non-coding transcript variant (8).
Genome position (GRCh38, 1-based): chr11:8,699,278, T>C on the plus strand (A>G on the coding strand, the complement: DENND2B is on the minus strand). VCF-style: chr11-8699278-T-C. GRCh37 (hg19) VCF-style: chr11-8720825-T-C.
Other names: c.2833A>G, p.Thr945Ala (NM_001376495.1, NM_001376496.1, NM_001376497.1 and 1 more transcripts); c.2326A>G, p.Thr776Ala (NM_001376498.1); c.2293A>G, p.Thr765Ala (NM_001376499.1); c.2152A>G, p.Thr718Ala (NM_001376500.1); c.1573A>G, p.Thr525Ala (NM_001376501.1, NM_001376502.1, NM_139157.3); c.1393A>G, p.Thr465Ala (NM_001376503.1); c.1357A>G, p.Thr453Ala (NM_001376504.1); c.1249A>G, p.Thr417Ala (NM_001376505.1, NM_001376506.1); short protein forms T417A, T453A, T465A, T525A, T718A, T765A, T776A, T945A.
Identifiers: ClinVar variation 5017150 (VCV005017150.1).

ClinVar aggregate classification (germline): Uncertain significance (1 of 4 stars; one submission).

Submission:

GeneDx
Classification: Uncertain significance. Last evaluated: 2026-03-26. Review status: criteria provided, single submitter. Criteria: GeneDx Variant Classification Process June 2021. Collection method: clinical testing. Allele origin: germline.
Comment: Not observed at significant frequency in large population cohorts (gnomAD); In silico analysis supports that this missense variant has a deleterious effect on protein structure/function; Has not been previously published as pathogenic or benign to our knowledge